The following is an entry in ClinVar:

NM_001278064.2(GRM1):c.3124A>G (p.Ser1042Gly)

Gene: GRM1 (glutamate metabotropic receptor 1; plus strand). Cytogenetic location: 6q24.3.
Variant type: single nucleotide variant.
Coding change: c.3124A>G on transcript NM_001278064.2 (MANE Select); coding-DNA position 3124, A replaced by G.
Protein change: p.Ser1042Gly; replaces serine 1042 with glycine.
Molecular consequence: missense variant. On other transcripts: 3 prime UTR variant (3).
Genome position (GRCh38, 1-based): chr6:146,434,335, A>G. VCF-style: chr6-146434335-A-G. GRCh37 (hg19) VCF-style: chr6-146755471-A-G.
Other names: c.*488A>G (NM_001278065.2); c.*453A>G (NM_001278066.1); c.*362A>G (NM_001278067.1); short protein forms S1042G.
Identifiers: ClinVar variation 4697175 (VCV004697175.1).

ClinVar aggregate classification (germline): Uncertain significance (1 of 4 stars; one submission).

gnomAD v4.1: 3 of 1,612,222 alleles (0.00019%); highest among the groups gnomAD compares: Middle Eastern, 0.016%; no homozygotes.

Submission:

Labcorp Genetics (formerly Invitae), Labcorp
Classification: Uncertain significance. Last evaluated: 2025-11-03. Review status: criteria provided, single submitter. Criteria: Invitae Variant Classification Sherloc (09022015). Collection method: clinical testing. Allele origin: germline.
Comment: This sequence change replaces serine, which is neutral and polar, with glycine, which is neutral and non-polar, at codon 1042 of the GRM1 protein (p.Ser1042Gly). This variant is not present in population databases (gnomAD no frequency). This variant has not been reported in the literature in individuals affected with GRM1-related conditions. An algorithm developed to predict the effect of missense changes on protein structure and function outputs the following: PolyPhen-2: "Benign". The glycine amino acid residue is found in multiple mammalian species, which suggests that this missense change does not adversely affect protein function. In summary, the available evidence is currently insufficient to determine the role of this variant in disease. Therefore, it has been classified as a Variant of Uncertain Significance.